The following is an entry in ClinVar:

NM_000077.5(CDKN2A):c.469_*6delinsCT (p.Ter157LeuextTer?)

Gene: CDKN2A (cyclin dependent kinase inhibitor 2A; minus strand). Cytogenetic location: 9p21.3.
Variant type: Indel.
Coding change: c.469_*6delinsCT on transcript NM_000077.5; coding-DNA position 469 through 6 bases downstream of the stop codon, TGAAAGAAC replaced by CT.
Protein change: p.Ter157LeuextTer?.
Molecular consequence: frameshift variant (on NM_000077.6). On other transcripts: 3 prime UTR variant (3), stop lost (1).
Genome position (GRCh38, 1-based): chr9:21,968,223-21,968,231, GTTCTTTCA replaced by AG on the plus strand (TGAAAGAAC replaced by CT on the coding strand, the reverse complement: CDKN2A is on the minus strand). VCF-style: chr9-21968223-GTTCTTTCA-AG. GRCh37 (hg19) VCF-style: chr9-21968222-GTTCTTTCA-AG.
Other names: c.469_*6delTGAAAGAACinsCT, p.Ter157_Ter(157_?)(?) (NM_000077.6); c.*162_*170delinsCT (NM_001195132.2); c.316_*6delinsCT, p.Ter106LeuextTer? (NM_001363763.2); c.*113_*121delinsCT (NM_058195.4); c.*392_*400delinsCT (NM_058197.5).
Identifiers: ClinVar variation 4224789 (VCV004224789.1).

ClinVar aggregate classification (germline): Uncertain significance (1 of 4 stars; one submission).

Conditions:
Hereditary cancer-predisposing syndrome. Also called: Neoplastic Syndromes, Hereditary; Tumor predisposition; Hereditary neoplastic syndrome; Hereditary Cancer Syndrome. Identifiers: Orphanet 140162, MedGen C0027672, MeSH D009386, MONDO:0015356.

Submission:

Ambry Genetics
Classification: Uncertain significance for Hereditary cancer-predisposing syndrome. Last evaluated: 2025-09-12. Review status: criteria provided, single submitter. Criteria: Ambry Variant Classification Scheme 2023. Collection method: clinical testing. Allele origin: germline.
Comment: The c.469_*6delTGAAAGAACinsCT variant (also known as p.*157Lext*33), located in coding exon 3 of the CDKN2A gene, results from a deletion of 9 nucleotides and insertion of 2 new nucleotides between c.469 and c.*6. This alteration disrupts the stop codon and is predicted to preserve the native sequence while resulting in the elongation of the protein by 33 amino acids. The exact functional effect of the additional amino acids is unknown. Based on the available evidence, the clinical significance of this variant remains unclear.